The following is an entry in ClinVar:

NM_005188.4(CBL):c.2038C>A (p.Pro680Thr)

Gene: CBL (Cbl proto-oncogene; plus strand). Cytogenetic location: 11q23.3.
Variant type: single nucleotide variant.
Coding change: c.2038C>A on transcript NM_005188.4 (MANE Select); coding-DNA position 2038, C replaced by A.
Protein change: p.Pro680Thr; replaces proline 680 with threonine.
Molecular consequence: missense variant.
Genome position (GRCh38, 1-based): chr11:119,296,919, C>A. VCF-style: chr11-119296919-C-A. GRCh37 (hg19) VCF-style: chr11-119167629-C-A.
Other names: short protein forms P680T.
Identifiers: ClinVar variation 4219899 (VCV004219899.1).

ClinVar aggregate classification (germline): Uncertain significance (1 of 4 stars; one submission).

Conditions:
Cardiovascular phenotype. Identifiers: MedGen CN230736.

Submission:

Ambry Genetics
Classification: Uncertain significance for Cardiovascular phenotype. Last evaluated: 2025-08-12. Review status: criteria provided, single submitter. Criteria: Ambry Variant Classification Scheme 2023. Collection method: clinical testing. Allele origin: germline.
Comment: The p.P680T variant (also known as c.2038C>A), located in coding exon 13 of the CBL gene, results from a C to A substitution at nucleotide position 2038. The proline at codon 680 is replaced by threonine, an amino acid with highly similar properties. This amino acid position is conserved. In addition, this alteration is predicted to be tolerated by in silico analysis. Based on the available evidence, the clinical significance of this variant remains unclear.